The following is an entry in ClinVar:

NM_001379200.1(TBX1):c.1327G>A (p.Ala443Thr)

Gene: TBX1 (T-box transcription factor 1; plus strand). Cytogenetic location: 22q11.21.
Variant type: single nucleotide variant.
Coding change: c.1327G>A on transcript NM_001379200.1 (MANE Select); coding-DNA position 1327, G replaced by A.
Protein change: p.Ala443Thr; replaces alanine 443 with threonine.
Molecular consequence: missense variant. On other transcripts: intron variant (2).
Genome position (GRCh38, 1-based): chr22:19,766,679, G>A. VCF-style: chr22-19766679-G-A. GRCh37 (hg19) VCF-style: chr22-19754202-G-A.
Other names: c.1300G>A, p.Ala434Thr (NM_080647.1); c.1009+677G>A (NM_005992.1, NM_080646.2); short protein forms A434T, A443T.
Identifiers: ClinVar variation 3712062 (VCV003712062.2).

ClinVar aggregate classification (germline): Uncertain significance (1 of 4 stars; one submission).

Conditions:
DiGeorge syndrome. Also called: Catch22; THIRD AND FOURTH PHARYNGEAL POUCH SYNDROME. Identifiers: Orphanet 567, MedGen C0012236, MONDO:0008564, OMIM 188400.

gnomAD v4.1: 1 of 1,549,842 alleles (0.000065%); highest among the groups gnomAD compares: Non-Finnish European, 0.000086%; no homozygotes.

Submission:

Labcorp Genetics (formerly Invitae), Labcorp
Classification: Uncertain significance for DiGeorge syndrome. Last evaluated: 2024-10-19. Review status: criteria provided, single submitter. Criteria: Invitae Variant Classification Sherloc (09022015). Collection method: clinical testing. Allele origin: germline.
Comment: This sequence change replaces alanine, which is neutral and non-polar, with threonine, which is neutral and polar, at codon 434 of the TBX1 protein (p.Ala434Thr). This variant is not present in population databases (gnomAD no frequency). This variant has not been reported in the literature in individuals affected with TBX1-related conditions. An algorithm developed to predict the effect of missense changes on protein structure and function (PolyPhen-2) suggests that this variant is likely to be tolerated. In summary, the available evidence is currently insufficient to determine the role of this variant in disease. Therefore, it has been classified as a Variant of Uncertain Significance.